The following is an entry in ClinVar:

ClinVar aggregate classification (germline): Uncertain significance. Review status: criteria provided, multiple submitters, no conflicts (2 of 4 stars). 5 submissions from 5 submitters: Uncertain significance (4). 1 of the submissions does not count toward it. Last evaluated 2023-08-24.

Conditions:
beta Thalassemia (BTHAL). Also called: Cooley's anemia; Erythroblastic anemia; Mediterranean anemia. Identifiers: Orphanet 848, MedGen C0005283, MONDO:0019402. Disease mechanism: loss of function.
Erythrocytosis, familial, 6. Also called: ERYTHROCYTOSIS, BETA-GLOBIN TYPE; POLYCYTHEMIA, BETA-GLOBIN TYPE. Identifiers: MedGen C4693822, MONDO:0054801, OMIM 617980.
METHEMOGLOBINEMIA, BETA TYPE. Also called: Methemoglobinemia, beta-globin type. Identifiers: MedGen C1840779, OMIM 617971.
Malaria, susceptibility to. Identifiers: Orphanet 673, MedGen C1970028, MONDO:0021024, OMIM 611162.
Hb SS disease (SCD). Also called: Sickling disorder due to hemoglobin S; Sickle cell anemia; Hemoglobin SS; Sickle cell disease; HbS disease; Hemoglobin S Disease. Identifiers: Orphanet 232, Orphanet 275752, MedGen C0002895, MONDO:0011382, OMIM 603903.
Beta-thalassemia HBB/LCRB. Identifiers: MedGen CN322236, MONDO:0013517, OMIM 613985.
Dominant beta-thalassemia. Also called: Beta-thalassemia, dominant inclusion body type. Identifiers: Orphanet 231226, Orphanet 848, MedGen C1858990, MONDO:0011381, OMIM 603902.
Hereditary persistence of fetal hemoglobin. Identifiers: MedGen C0019025, MONDO:0020989, OMIM 141749.
alpha Thalassemia. Also called: Alpha thalassemia spectrum. Identifiers: Orphanet 846, MedGen C0002312, MONDO:0011399, OMIM 604131.
Heinz body anemia. Also called: Heinz body hemolytic anemia. Identifiers: Orphanet 178330, MedGen C0700299, MONDO:0007705, OMIM 140700, HP:0005511.

Allele frequency attached by ClinVar (database versions not stated): gnomAD 0.00001 and 0.00003; gnomAD exomes 0.00002; TOPMed 0.00002; 1000 Genomes Project 30x 0.00047; 1000 Genomes Project 0.00060.

Submissions (5):

Quest Diagnostics Nichols Institute San Juan Capistrano
Classification: Uncertain significance. Last evaluated: 2023-08-24. Review status: criteria provided, single submitter. Criteria: Quest Diagnostics criteria. Collection method: clinical testing. Allele origin: unknown.
Comment: The HBB c.-100G>A variant has been reported in the published literature in an individual with beta-thalassemia major who was a compound heterozygote for this variant and the HBB c.126_129delCTTT (CDs 41–42 (-TTCT) variant (PMID: 19290524 (2009)). It has also been identified in carrier screens in the Chinese population (PMIDs: 33439495 (2021), 32986258 (2021), 30275481 (2019), 30809867 (2019), 28125089 (2017)). It has been described as a beta(+) variant. Functional studies suggest conflicting reports as to whether or not this variant impacts protein function (PMIDs: 31395865 (2019) and 19290524 (2009)). The frequency of this variant in the general population, 0.000032 (1/31396 chromosomes (Genome Aggregation Database)), is uninformative in the assessment of its pathogenicity. Based on the available information, we are unable to determine the clinical significance of this variant.

Women's Health and Genetics/Laboratory Corporation of America, LabCorp
Classification: Uncertain significance. Last evaluated: 2023-08-15. Review status: criteria provided, single submitter. Criteria: LabCorp Variant Classification Summary - May 2015. Collection method: clinical testing. Allele origin: germline.
Comment: Variant summary: HBB c.-100G>A is located in the untranscribed region upstream of the HBB gene region. The variant allele was found at a frequency of 3.2e-05 in 31396 control chromosomes (gnomAD). However, a recent study reported the variant in eight simple heterozygotes with normal hematological parameters and it two compound heterozygous individuals (with known pathogenic variants c.126_129delCTTT and c.316-197C>T) with typical hematological parameters of b-thal trait. The authors of this study concluded that c.-100G>A is likely a silent beta-thal allele (Zhao_2020). Additionally, other recent studies reported detection of the variant in a large number of carrier Chinese individuals (e.g. He_2017, Zhang_2019, Peng_2021, Tan_2021). Of particular interest is the reporting of individuals with hematological parameters indicative of carrier status who were found to be homozygous for the variant of interest (n=1) or had other known pathogenic HBB variants (c.126_129delCTTT, c.217dupA) (e.g. He_2017, Zhang_2019). These data do not allow any conclusion about variant significance. Experimental evidence evaluating an impact on protein function demonstrated the variant results in mildly reduced mRNA levels and promoter activity (Li_2009, Kircher_2019). The following publications have been ascertained in the context of this evaluation (PMID: 28125089, 31395865, 19290524, 32986258, 25526804, 33439495, 25471338, 24055728, 30809867, 32674615, 36519257, 35119136). Three submitters have cited clinical-significance assessments for this variant to ClinVar after 2014. All submitters classified the variant as uncertain significance. Based on the evidence outlined above, the variant was classified as uncertain significance.

Fulgent Genetics
Classification: Uncertain significance for Heinz body anemia; Hereditary persistence of fetal hemoglobin; Dominant beta-thalassemia; Hb SS disease; alpha Thalassemia; Malaria, susceptibility to; Beta-thalassemia HBB/LCRB; METHEMOGLOBINEMIA, BETA TYPE; Erythrocytosis, familial, 6. Last evaluated: 2021-10-20. Review status: criteria provided, single submitter. Criteria: ACMG Guidelines, 2015. Collection method: clinical testing. Allele origin: unknown.

Juno Genomics, Hangzhou Juno Genomics, Inc
Classification: Uncertain significance for Beta-thalassemia HBB/LCRB; Dominant beta-thalassemia; Hb SS disease; Erythrocytosis, familial, 6; Malaria, susceptibility to; Hereditary persistence of fetal hemoglobin; Heinz body anemia; METHEMOGLOBINEMIA, BETA TYPE. Review status: criteria provided, single submitter. Criteria: ACMG Guidelines, 2015. Collection method: clinical testing. Allele origin: germline.
Comment: Absent from controls (or at extremely low frequency if recessive) in Genome Aggregation Database.;For recessive disorders, detected in trans with a pathogenic variant.;Patient's phenotype or family history is highly specific for a disease with a single genetic etiology.

Natera, Inc.
Classification: Uncertain significance for Beta thalassemia. Last evaluated: 2020-09-16. Review status: no assertion criteria provided. Collection method: clinical testing. Allele origin: germline. Not counted in ClinVar's aggregate classification.

Literature cited by the submitters: PubMed 31395865 (cited by Quest Diagnostics Nichols Institute San Juan Capistrano and Women's Health and Genetics/Laboratory Corporation of America, LabCorp); PubMed 30275481 (cited by Quest Diagnostics Nichols Institute San Juan Capistrano); PubMed 32674615 (cited by Quest Diagnostics Nichols Institute San Juan Capistrano and Women's Health and Genetics/Laboratory Corporation of America, LabCorp); PubMed 27535164 (cited by Quest Diagnostics Nichols Institute San Juan Capistrano); PubMed 19290524 (cited by Quest Diagnostics Nichols Institute San Juan Capistrano and Women's Health and Genetics/Laboratory Corporation of America, LabCorp); PubMed 21423179 (cited by Quest Diagnostics Nichols Institute San Juan Capistrano); PubMed 25526804 (cited by Quest Diagnostics Nichols Institute San Juan Capistrano and Women's Health and Genetics/Laboratory Corporation of America, LabCorp); PubMed 25471338 (cited by Quest Diagnostics Nichols Institute San Juan Capistrano and Women's Health and Genetics/Laboratory Corporation of America, LabCorp); PubMed 24055728 (cited by Quest Diagnostics Nichols Institute San Juan Capistrano and Women's Health and Genetics/Laboratory Corporation of America, LabCorp); PubMed 33439495 (cited by Quest Diagnostics Nichols Institute San Juan Capistrano and Women's Health and Genetics/Laboratory Corporation of America, LabCorp); PubMed 32986258 (cited by Quest Diagnostics Nichols Institute San Juan Capistrano and Women's Health and Genetics/Laboratory Corporation of America, LabCorp); PubMed 30809867 (cited by Quest Diagnostics Nichols Institute San Juan Capistrano and Women's Health and Genetics/Laboratory Corporation of America, LabCorp); PubMed 28125089 (cited by Quest Diagnostics Nichols Institute San Juan Capistrano and Women's Health and Genetics/Laboratory Corporation of America, LabCorp); PubMed 35119136 (cited by Women's Health and Genetics/Laboratory Corporation of America, LabCorp); PubMed 36519257 (cited by Women's Health and Genetics/Laboratory Corporation of America, LabCorp).

NM_000518.5(HBB):c.-100G>A

Genes: HBB (hemoglobin subunit beta; minus strand), LOC107133510 (origin of replication at HBB; plus strand), LOC106099062 (HBB recombination region; plus strand). Cytogenetic location: 11p15.4.
Variant type: single nucleotide variant.
Coding change: c.-100G>A on transcript NM_000518.5 (MANE Select); 100 bases upstream of the start codon, G replaced by A.
Genome position (GRCh38, 1-based): chr11:5,227,121, C>T on the plus strand (G>A on the coding strand, the complement: HBB is on the minus strand). VCF-style: chr11-5227121-C-T. GRCh37 (hg19) VCF-style: chr11-5248351-C-T.
Identifiers: ClinVar variation 495972 (VCV000495972.11), dbSNP rs281864524, ClinGen allele CA217115811.